The following is an entry in ClinVar:

NM_001458.5(FLNC):c.3790G>T (p.Gly1264Cys)

Gene: FLNC (filamin C; plus strand). Cytogenetic location: 7q32.1.
Variant type: single nucleotide variant.
Coding change: c.3790G>T on transcript NM_001458.5 (MANE Select); coding-DNA position 3790, G replaced by T.
Protein change: p.Gly1264Cys; replaces glycine 1264 with cysteine.
Molecular consequence: missense variant.
Genome position (GRCh38, 1-based): chr7:128,845,255, G>T. VCF-style: chr7-128845255-G-T. GRCh37 (hg19) VCF-style: chr7-128485309-G-T.
Other names: c.3790G>T, p.Gly1264Cys (NM_001127487.2); short protein forms G1264C.
Identifiers: ClinVar variation 1314547 (VCV001314547.9), dbSNP rs201335143, ClinGen allele CA369198133.

ClinVar aggregate classification (germline): Uncertain significance. Review status: criteria provided, multiple submitters, no conflicts (2 of 4 stars). 2 submissions from 2 submitters: Uncertain significance (2). Last evaluated 2021-06-12.

Conditions:
Myofibrillar myopathy 5. Also called: Filaminopathy (type); FILAMINOPATHY, AUTOSOMAL DOMINANT. Identifiers: Orphanet 171445, MedGen C1836050, MONDO:0012289, OMIM 609524.
Distal myopathy with posterior leg and anterior hand involvement. Also called: WILLIAMS DISTAL MYOPATHY. Identifiers: Orphanet 63273, MedGen C3279722, MONDO:0013550, OMIM 614065.
Hypertrophic cardiomyopathy 26. Also called: Cardiomyopathy, familial hypertrophic, 26. Identifiers: Orphanet 75249, MedGen C4310749, MONDO:0014883, OMIM 617047.

Submissions (2):

Labcorp Genetics (formerly Invitae), Labcorp
Classification: Uncertain significance for Distal myopathy with posterior leg and anterior hand involvement; Myofibrillar myopathy 5; Hypertrophic cardiomyopathy 26. Last evaluated: 2021-06-12. Review status: criteria provided, single submitter. Criteria: Invitae Variant Classification Sherloc (09022015). Collection method: clinical testing. Allele origin: germline.
Comment: This sequence change replaces glycine with cysteine at codon 1264 of the FLNC protein (p.Gly1264Cys). The glycine residue is moderately conserved and there is a large physicochemical difference between glycine and cysteine. This variant also falls at the last nucleotide of exon 21, which is part of the consensus splice site for this exon. This variant is not present in population databases (ExAC no frequency). This variant has not been reported in the literature in individuals with FLNC-related conditions. Algorithms developed to predict the effect of missense changes on protein structure and function are either unavailable or do not agree on the potential impact of this missense change (SIFT: "Deleterious"; PolyPhen-2: "Probably Damaging"; Align-GVGD: "Class C0"). Nucleotide substitutions within the consensus splice site are a relatively common cause of aberrant splicing (PMID: 17576681, 9536098). Algorithms developed to predict the effect of sequence changes on RNA splicing suggest that this variant may disrupt the consensus splice site, but this prediction has not been confirmed by published transcriptional studies. In summary, the available evidence is currently insufficient to determine the role of this variant in disease. Therefore, it has been classified as a Variant of Uncertain Significance.

GeneDx
Classification: Uncertain significance. Last evaluated: 2021-04-05. Review status: criteria provided, single submitter. Criteria: GeneDx Variant Classification Process June 2021. Collection method: clinical testing. Allele origin: germline. Affected: yes.
Comment: Not observed in large population cohorts (Lek et al., 2016); In silico analysis supports that this missense variant has a deleterious effect on protein structure/function; Has not been previously published as pathogenic or benign to our knowledge

Literature cited by the submitters: PubMed 17576681 (cited by Labcorp Genetics (formerly Invitae), Labcorp); PubMed 9536098 (cited by Labcorp Genetics (formerly Invitae), Labcorp).